The following is an entry in ClinVar:

ClinVar aggregate classification (germline): Likely pathogenic. Review status: reviewed by expert panel (3 of 4 stars). 2 submissions from 2 submitters: Likely pathogenic (1). 1 of the submissions does not count toward it. Last evaluated 2025-12-19.

Conditions:
GUCY2D-related recessive retinopathy. Also called: Recessive GUCY2D retinopathy. Identifiers: MedGen CN305603, MONDO:0100453.
GUCY2D-related disorders.

gnomAD v4.1: 1 of 1,612,284 alleles (0.000062%); highest among the groups gnomAD compares: Admixed American, 0.0017%; no homozygotes.

Submissions (2):

ClinGen Leber Congenital Amaurosis/early Onset Retinal Dystrophy Variant Curation Expert Panel, ClinGen
Classification: Likely pathogenic for GUCY2D-related recessive retinopathy. Last evaluated: 2025-12-19. Review status: reviewed by expert panel. Criteria: ClinGen LCAeoRD ACMG Specifications GUCY2D V1.0.0. Collection method: curation. Allele origin: germline. Inheritance: Autosomal recessive inheritance.
Comment: NM_000180.4(GUCY2D):c.3020C>A (p.Ser1007Ter) is a nonsense variant that introduces a premature stop codon into exon 18 of 20 and is predicted to lead to nonsense-mediated decay in a gene in which loss-of-function is an established mechanism of disease (PVS1). This variant is present in gnomAD v.4.1.0 at a total allele frequency of 0.0000006202, with 1 allele / 1,612,284 total alleles, which is lower than the ClinGen LCA/eoRD VCEP PM2_Supporting threshold of <0.0004 (PM2_Supporting). This variant has been reported in at least 1 proband with early-onset severe retinal dystrophy who was compound heterozygous with the NM_000180.4(GUCY2D):c.982G>C (p.Ala328Pro) variant confirmed in trans (VCEP member-provided data) but has not been counted for PM3 to avoid circularity. The proband harboring this variant exhibits a phenotype including diagnosis of Leber congenital amaurosis (0.5 pts) with genotyping by next-generation sequencing panel that did not identify an alternative basis for disease (2 pts), which are not sufficiently specific for GUCY2D-related recessive retinopathy to meet the PP4 code (total 2.5 points, VCEP member-provided data). In summary, this variant meets the criteria to be classified as a Likely Pathogenic for GUCY2D-related recessive retinopathy based on the ACMG/AMP criteria applied, as specified by the ClinGen LCA/eoRD VCEP: PVS1 and PM2_Supporting. (VCEP specifications version 1.0.0; date of approval 01/22/2025).

Blueprint Genetics
Classification: Likely pathogenic for GUCY2D-related disorders. Last evaluated: 2021-07-12. Review status: criteria provided, single submitter. Criteria: ACMG Guidelines, 2015. Collection method: clinical testing. Allele origin: germline. Affected: yes. Observed: 2 variant alleles. Not counted in ClinVar's aggregate classification.

NM_000180.4(GUCY2D):c.3020C>A (p.Ser1007Ter)

Gene: GUCY2D (guanylate cyclase 2D, retinal; plus strand). Cytogenetic location: 17p13.1.
Variant type: single nucleotide variant.
Coding change: c.3020C>A on transcript NM_000180.4 (MANE Select); coding-DNA position 3020, C replaced by A.
Protein change: p.Ser1007Ter; replaces serine 1007 with a stop codon.
Molecular consequence: nonsense.
Genome position (GRCh38, 1-based): chr17:8,015,818, C>A. VCF-style: chr17-8015818-C-A. GRCh37 (hg19) VCF-style: chr17-7919136-C-A.
Other names: NM_000180.4:c.3020C>A; short protein forms S1007*.
Identifiers: ClinVar variation 4538536 (VCV004538536.2).
Genomic context (GRCh38, chr17:8,015,818, plus strand): 5'-GCGTGGTGGGCCTCACCATGCCGCGGTACTGCCTGTTTGGGGACACGGTCAACACCGCCT[C>A]GCGCATGGAGTCCACCGGGCTGCGTGAGTGTGACGGGGACAAGACGGGGAGGTGGGAGGG-3'